The following is an entry in ClinVar:

ClinVar aggregate classification (germline): Uncertain significance (1 of 4 stars; one submission).

Conditions:
Neuronal ceroid lipofuscinosis 7 (CLN7). Also called: MFSD8-Related Neuronal Ceroid-Lipofuscinosis. Identifiers: Orphanet 168491, Orphanet 228366, MedGen C1838571, MONDO:0012588, OMIM 610951.

Submission:

Labcorp Genetics (formerly Invitae), Labcorp
Classification: Uncertain significance for Neuronal ceroid lipofuscinosis 7. Last evaluated: 2022-01-12. Review status: criteria provided, single submitter. Criteria: Invitae Variant Classification Sherloc (09022015). Collection method: clinical testing. Allele origin: germline.
Comment: This sequence change replaces asparagine, which is neutral and polar, with serine, which is neutral and polar, at codon 371 of the MFSD8 protein (p.Asn371Ser). This variant is not present in population databases (gnomAD no frequency). This variant has not been reported in the literature in individuals affected with MFSD8-related conditions. Algorithms developed to predict the effect of missense changes on protein structure and function are either unavailable or do not agree on the potential impact of this missense change (SIFT: "Tolerated"; PolyPhen-2: "Possibly Damaging"; Align-GVGD: "Class C0"). Algorithms developed to predict the effect of sequence changes on RNA splicing suggest that this variant may create or strengthen a splice site. In summary, the available evidence is currently insufficient to determine the role of this variant in disease. Therefore, it has been classified as a Variant of Uncertain Significance.

NM_001371596.2(MFSD8):c.1112A>G (p.Asn371Ser)

Gene: MFSD8 (major facilitator superfamily domain containing 8; minus strand). Cytogenetic location: 4q28.2.
Variant type: single nucleotide variant.
Coding change: c.1112A>G on transcript NM_001371596.2 (MANE Select); coding-DNA position 1112, A replaced by G.
Protein change: p.Asn371Ser; replaces asparagine 371 with serine.
Molecular consequence: missense variant. On other transcripts: synonymous variant (1).
Genome position (GRCh38, 1-based): chr4:127,921,762, T>C on the plus strand (A>G on the coding strand, the complement: MFSD8 is on the minus strand). VCF-style: chr4-127921762-T-C. GRCh37 (hg19) VCF-style: chr4-128842917-T-C.
Other names: c.911A>G, p.Asn304Ser (NM_001363520.3); c.797A>G, p.Asn266Ser (NM_001363521.3); c.977A>G, p.Asn326Ser (NM_001371590.2); c.1112A>G, p.Asn371Ser (NM_001371591.2, NM_152778.4); c.1118A>G, p.Asn373Ser (NM_001371592.2); c.998A>G, p.Asn333Ser (NM_001371593.2); c.965A>G, p.Asn322Ser (NM_001371594.2); c.830A>G, p.Asn277Ser (NM_001371595.1); and 2 more; short protein forms N373S, N221S, N266S, N277S, N304S, N371S, N322S, N326S.
Identifiers: ClinVar variation 2156429 (VCV002156429.1), dbSNP rs2546047360, ClinGen allele CA358171499.